The following is an entry in ClinVar:

ClinVar aggregate classification (germline): Benign. Review status: criteria provided, multiple submitters, no conflicts (2 of 4 stars). 2 submissions from 2 submitters: Benign (2). Last evaluated 2026-01-17.

Conditions:
Emery-Dreifuss muscular dystrophy 5, autosomal dominant (EDMD5). Also called: EMERY-DREIFUSS MUSCULAR DYSTROPHY 5. Identifiers: Orphanet 261, MedGen C2751805, MONDO:0013072, OMIM 612999.

Allele frequency attached by ClinVar (database versions not stated): TOPMed 0.00022; ESP Exome Variant Server 0.00023; gnomAD 0.00024 and 0.00026; ExAC 0.00025; gnomAD exomes 0.00030.
gnomAD v4.1: 295 of 1,613,892 alleles (0.018%); highest among the groups gnomAD compares: Admixed American, 0.018%; 3 homozygotes.

Submissions (2):

Labcorp Genetics (formerly Invitae), Labcorp
Classification: Benign for Emery-Dreifuss muscular dystrophy 5, autosomal dominant. Last evaluated: 2026-01-17. Review status: criteria provided, single submitter. Criteria: Invitae Variant Classification Sherloc (09022015). Collection method: clinical testing. Allele origin: germline.

Illumina Laboratory Services, Illumina
Classification: Benign for Emery-Dreifuss muscular dystrophy 5, autosomal dominant. Last evaluated: 2018-01-12. Review status: criteria provided, single submitter. Criteria: ICSL Variant Classification Criteria 13 December 2019. Collection method: clinical testing. Allele origin: germline.
Comment: This variant was observed in the ICSL laboratory as part of a predisposition screen in an ostensibly healthy population. It had not been previously curated by ICSL or reported in the Human Gene Mutation Database (HGMD: prior to June 1st, 2018), and was therefore a candidate for classification through an automated scoring system. Utilizing variant allele frequency, disease prevalence and penetrance estimates, and inheritance mode, an automated score was calculated to assess if this variant is too frequent to cause the disease. Based on the score and internal cut-off values, a variant classified as benign is not then subjected to further curation. The score for this variant resulted in a classification of benign for this disease.

NM_182914.3(SYNE2):c.15180G>A (p.Pro5060=)

Gene: SYNE2 (spectrin repeat containing nuclear envelope protein 2; plus strand). Cytogenetic location: 14q23.2.
Variant type: single nucleotide variant.
Coding change: c.15180G>A on transcript NM_182914.3 (MANE Select); coding-DNA position 15180, G replaced by A.
Protein change: p.Pro5060=; no amino-acid change (proline 5060 retained).
Molecular consequence: synonymous variant.
Genome position (GRCh38, 1-based): chr14:64,141,962, G>A. VCF-style: chr14-64141962-G-A. GRCh37 (hg19) VCF-style: chr14-64608680-G-A.
Other names: c.15180G>A, p.Pro5060= (NM_015180.6).
Identifiers: ClinVar variation 313604 (VCV000313604.13), dbSNP rs139006816, ClinGen allele CA7223012.